The following is an entry in ClinVar:

ClinVar aggregate classification (germline): Uncertain significance (1 of 4 stars; one submission).

Submission:

Labcorp Genetics (formerly Invitae), Labcorp
Classification: Uncertain significance. Last evaluated: 2026-01-19. Review status: criteria provided, single submitter. Criteria: Invitae Variant Classification Sherloc (09022015). Collection method: clinical testing. Allele origin: germline.
Comment: This sequence change replaces isoleucine, which is neutral and non-polar, with valine, which is neutral and non-polar, at codon 233 of the RNLS protein (p.Ile233Val). This variant is not present in population databases (gnomAD no frequency). This variant has not been reported in the literature in individuals affected with RNLS-related conditions. ClinVar contains an entry for this variant (Variation ID: 2872903). An algorithm developed to predict the effect of missense changes on protein structure and function (PolyPhen-2) suggests that this variant is likely to be tolerated. In summary, the available evidence is currently insufficient to determine the role of this variant in disease. Therefore, it has been classified as a Variant of Uncertain Significance.

NM_001031709.3(RNLS):c.697A>G (p.Ile233Val)

Gene: RNLS (renalase, FAD dependent amine oxidase; minus strand). Cytogenetic location: 10q23.31.
Variant type: single nucleotide variant.
Coding change: c.697A>G on transcript NM_001031709.3 (MANE Select); coding-DNA position 697, A replaced by G.
Protein change: p.Ile233Val; replaces isoleucine 233 with valine.
Molecular consequence: missense variant.
Genome position (GRCh38, 1-based): chr10:88,362,555, T>C on the plus strand (A>G on the coding strand, the complement: RNLS is on the minus strand). VCF-style: chr10-88362555-T-C. GRCh37 (hg19) VCF-style: chr10-90122312-T-C.
Other names: c.697A>G, p.Ile233Val (NM_018363.4); short protein forms I233V.
Identifiers: ClinVar variation 2872903 (VCV002872903.3), dbSNP rs2539235224, ClinGen allele CA377788049.